The following is an entry in ClinVar:

NM_213599.3(ANO5):c.1014-3C>T

Gene: ANO5 (anoctamin 5; plus strand). Cytogenetic location: 11p14.3.
Variant type: single nucleotide variant.
Coding change: c.1014-3C>T on transcript NM_213599.3 (MANE Select); 3 bases into the intron before coding-DNA position 1014, C replaced by T.
Molecular consequence: intron variant.
Genome position (GRCh38, 1-based): chr11:22,250,738, C>T. VCF-style: chr11-22250738-C-T. GRCh37 (hg19) VCF-style: chr11-22272284-C-T.
Other names: c.972-3C>T (NM_001410963.1); c.1011-3C>T (NM_001142649.2); c.969-3C>T (NM_001410964.1).
Identifiers: ClinVar variation 2941411 (VCV002941411.3), dbSNP rs1196954564, ClinGen allele CA598389396.
Genomic context (GRCh38, chr11:22,250,738, plus strand): 5'-AACAGCTTGGACTTTTACCTAAACACCTATCACTGTTCAATAACTTTGCTGTTCCTCTTG[C>T]AGCACTGAAATCTGTGACCCTGAGATTGGTGGTCAGATGATCATGTGCCCACTCTGTGAT-3'

ClinVar aggregate classification (germline): Uncertain significance (1 of 4 stars; one submission).

Conditions:
Gnathodiaphyseal dysplasia (GDD). Also called: GNATHODIAPHYSEAL SCLEROSIS; OSTEOGENESIS IMPERFECTA WITH UNUSUAL SKELETAL LESIONS. Identifiers: Orphanet 53697, MedGen C1833736, MONDO:0008151, OMIM 166260.
Autosomal recessive limb-girdle muscular dystrophy type 2L (LGMDR12). Also called: Limb-girdle muscular dystrophy, type 2L; MUSCULAR DYSTROPHY, LIMB-GIRDLE, AUTOSOMAL RECESSIVE 12; Limb-Girdle Muscular Dystrophy R12 Anoctamin-5-Related (LGMD-R12). Identifiers: Orphanet 206549, MedGen C1969785, MONDO:0012652, OMIM 611307.

Allele frequency attached by ClinVar (database versions not stated): gnomAD exomes below 0.00001; TOPMed 0.00001.
gnomAD v4.1: 3 of 1,613,650 alleles (0.00019%); highest among the groups gnomAD compares: Non-Finnish European, 0.00025%; no homozygotes.

Submission:

Labcorp Genetics (formerly Invitae), Labcorp
Classification: Uncertain significance for Autosomal recessive limb-girdle muscular dystrophy type 2L; Gnathodiaphyseal dysplasia. Last evaluated: 2023-04-27. Review status: criteria provided, single submitter. Criteria: Invitae Variant Classification Sherloc (09022015). Collection method: clinical testing. Allele origin: germline.
Comment: In summary, the available evidence is currently insufficient to determine the role of this variant in disease. Therefore, it has been classified as a Variant of Uncertain Significance. Variants that disrupt the consensus splice site are a relatively common cause of aberrant splicing (PMID: 17576681, 9536098). Algorithms developed to predict the effect of sequence changes on RNA splicing suggest that this variant is not likely to affect RNA splicing. This variant has not been reported in the literature in individuals affected with ANO5-related conditions. This variant is present in population databases (no rsID available, gnomAD 0.0009%). This sequence change falls in intron 10 of the ANO5 gene. It does not directly change the encoded amino acid sequence of the ANO5 protein. It affects a nucleotide within the consensus splice site.

Literature cited by the submitters: PubMed 17576681; PubMed 9536098.